The following is an entry in ClinVar:

NM_032578.4(MYPN):c.1688C>T (p.Pro563Leu)

Gene: MYPN (myopalladin; plus strand). Cytogenetic location: 10q21.3.
Variant type: single nucleotide variant.
Coding change: c.1688C>T on transcript NM_032578.4 (MANE Select); coding-DNA position 1688, C replaced by T.
Protein change: p.Pro563Leu; replaces proline 563 with leucine.
Molecular consequence: missense variant. On other transcripts: non-coding transcript variant (2).
Genome position (GRCh38, 1-based): chr10:68,166,381, C>T. VCF-style: chr10-68166381-C-T. GRCh37 (hg19) VCF-style: chr10-69926138-C-T.
Other names: c.1688C>T, p.Pro563Leu (NM_001256267.2); c.806C>T, p.Pro269Leu (NM_001256268.2); c.1688C>T (NM_032578.2); short protein forms P269L, P563L.
Identifiers: ClinVar variation 858609 (VCV000858609.11), dbSNP rs899747855, ClinGen allele CA208192544.

ClinVar aggregate classification (germline): Conflicting classifications of pathogenicity. Review status: criteria provided, conflicting classifications (1 of 4 stars). 2 submissions from 2 submitters: Uncertain significance (1); Likely benign (1). Last evaluated 2025-12-22.

Conditions:
Cardiovascular phenotype. Identifiers: MedGen CN230736.
Dilated cardiomyopathy 1KK (CMD1KK). Identifiers: Orphanet 154, Orphanet 75249, MedGen C3714995, MONDO:0014100, OMIM 615248.

gnomAD v4.1: 3 of 1,614,128 alleles (0.00019%); highest among the groups gnomAD compares: South Asian, 0.0011%; no homozygotes.

Submissions (2):

Ambry Genetics
Classification: Likely benign for Cardiovascular phenotype. Last evaluated: 2025-12-22. Review status: criteria provided, single submitter. Criteria: Ambry Variant Classification Scheme 2023. Collection method: clinical testing. Allele origin: germline.

Labcorp Genetics (formerly Invitae), Labcorp
Classification: Uncertain significance for Dilated cardiomyopathy 1KK. Last evaluated: 2025-04-07. Review status: criteria provided, single submitter. Criteria: Invitae Variant Classification Sherloc (09022015). Collection method: clinical testing. Allele origin: germline.
Comment: This sequence change replaces proline, which is neutral and non-polar, with leucine, which is neutral and non-polar, at codon 563 of the MYPN protein (p.Pro563Leu). This variant is present in population databases (no rsID available, gnomAD 0.0009%). This variant has not been reported in the literature in individuals affected with MYPN-related conditions. ClinVar contains an entry for this variant (Variation ID: 858609). An algorithm developed to predict the effect of missense changes on protein structure and function outputs the following: PolyPhen-2: "Benign". The leucine amino acid residue is found in multiple mammalian species, which suggests that this missense change does not adversely affect protein function. In summary, the available evidence is currently insufficient to determine the role of this variant in disease. Therefore, it has been classified as a Variant of Uncertain Significance.